The following is an entry in ClinVar:

ClinVar aggregate classification (germline): Uncertain significance (0 of 4 stars; one submission).

Conditions:
DNAH11-related disorder. Also called: DNAH11-related condition.

Allele frequency attached by ClinVar (database versions not stated): 1000 Genomes Project 0.00180; gnomAD 0.00200; 1000 Genomes Project 30x 0.00203; TOPMed 0.00252.
gnomAD v4.1: 307 of 152,216 alleles (0.2%); highest among the groups gnomAD compares: Admixed American, 0.54%; no homozygotes.

Submission:

PreventionGenetics, part of Exact Sciences
Classification: Uncertain significance for DNAH11-related condition. Last evaluated: 2024-01-17. Review status: no assertion criteria provided. Collection method: clinical testing. Allele origin: germline.
Comment: The DNAH11 c.9102+2960C>T variant is predicted to interfere with splicing. To our knowledge, this variant has not been reported in the literature. This variant is reported in 0.47% of alleles in individuals of Latino descent in gnomAD. At this time, the clinical significance of this variant is uncertain due to the absence of conclusive functional and genetic evidence.

NM_001277115.2(DNAH11):c.9102+2960C>T

Gene: DNAH11 (dynein axonemal heavy chain 11; plus strand). Cytogenetic location: 7p15.3.
Variant type: single nucleotide variant.
Coding change: c.9102+2960C>T on transcript NM_001277115.2 (MANE Select); 2960 bases into the intron after coding-DNA position 9102, C replaced by T.
Molecular consequence: intron variant.
Genome position (GRCh38, 1-based): chr7:21,768,549, C>T. VCF-style: chr7-21768549-C-T. GRCh37 (hg19) VCF-style: chr7-21808167-C-T.
Identifiers: ClinVar variation 3061698 (VCV003061698.2), dbSNP rs577887007, ClinGen allele CA155077747.